The following is an entry in ClinVar:

NM_145045.5(ODAD3):c.320G>T (p.Arg107Leu)

Gene: ODAD3 (outer dynein arm docking complex subunit 3; minus strand). Cytogenetic location: 19p13.2.
Variant type: single nucleotide variant.
Coding change: c.320G>T on transcript NM_145045.5 (MANE Select); coding-DNA position 320, G replaced by T.
Protein change: p.Arg107Leu; replaces arginine 107 with leucine.
Molecular consequence: missense variant.
Genome position (GRCh38, 1-based): chr19:11,430,945, C>A on the plus strand (G>T on the coding strand, the complement: ODAD3 is on the minus strand). VCF-style: chr19-11430945-C-A. GRCh37 (hg19) VCF-style: chr19-11541765-C-A.
Other names: c.158G>T, p.Arg53Leu (NM_001302453.1); c.320G>T, p.Arg107Leu (NM_001302454.2); short protein forms R107L, R53L.
Identifiers: ClinVar variation 2911710 (VCV002911710.2), dbSNP rs376087461, ClinGen allele CA9212459.
Genomic context (GRCh38, chr19:11,430,945, plus strand): 5'-CCTTTGCCCCTTACCTTGAGCAGGTCCAGCAGCTTTAGTTCCAGTGCCTTAGTCTCCTTG[C>A]GGAGCTGACTGATGGTCTCCTGGTTCTTCTTGATGTTCCACTGAGAGCTCTCAAAAAAAG-3'
Protein context (NP_659482.3, residues 97-117): KKNQETISQL[Arg107Leu]KETKALELKL

ClinVar aggregate classification (germline): Uncertain significance (1 of 4 stars; one submission).

Conditions:
Primary ciliary dyskinesia 30. Also called: CILIARY DYSKINESIA, PRIMARY, 30, WITH OR WITHOUT SITUS INVERSUS. Identifiers: Orphanet 244, MedGen C4015016, MONDO:0014465, OMIM 616037.

gnomAD v4.1: 6 of 1,614,040 alleles (0.00037%); highest among the groups gnomAD compares: Admixed American, 0.0033%; no homozygotes.

Submission:

Labcorp Genetics (formerly Invitae), Labcorp
Classification: Uncertain significance for Primary ciliary dyskinesia 30. Last evaluated: 2023-08-10. Review status: criteria provided, single submitter. Criteria: Invitae Variant Classification Sherloc (09022015). Collection method: clinical testing. Allele origin: germline.
Comment: In summary, the available evidence is currently insufficient to determine the role of this variant in disease. Therefore, it has been classified as a Variant of Uncertain Significance. An algorithm developed to predict the effect of missense changes on protein structure and function (PolyPhen-2) suggests that this variant is likely to be disruptive. This variant has not been reported in the literature in individuals affected with CCDC151-related conditions. This variant is present in population databases (rs376087461, gnomAD 0.0009%). This sequence change replaces arginine, which is basic and polar, with leucine, which is neutral and non-polar, at codon 107 of the CCDC151 protein (p.Arg107Leu).